The following is an entry in ClinVar:

NM_000059.4(BRCA2):c.1773_1776del (p.Ile591fs)

Gene: BRCA2 (BRCA2 DNA repair associated; plus strand). Cytogenetic location: 13q13.1.
Variant type: Microsatellite.
Coding change: c.1773_1776del on transcript NM_000059.4 (MANE Select); coding-DNA positions 1773 to 1776, 4 bases deleted (TTAT; older notation c.1773_1776delTTAT).
Protein change: p.Ile591fs; shifts the reading frame from isoleucine 591.
Molecular consequence: frameshift variant.
Genome position (GRCh38, 1-based): chr13:32,333,251-32,333,254, TTAT deleted; deleting any 4 consecutive bases within chr13:32,333,246-32,333,254 gives the same sequence; the c. name uses the placement nearest the transcript's 3' end. VCF-style (leftmost placement, unchanged base first): chr13-32333245-GTTTA-G. GRCh37 (hg19) VCF-style: chr13-32907382-GTTTA-G.
Other names: 2001del4; 2000del4; 2000_2003delTTTA; c.1773_1776delTTAT (NM_000059.3); short protein forms I591fs.
Identifiers: ClinVar variation 51190 (VCV000051190.40), dbSNP rs80359304, ClinGen allele CA013167.

ClinVar aggregate classification (germline): Pathogenic. Review status: reviewed by expert panel (3 of 4 stars). 20 submissions from 19 submitters: Pathogenic (1). 19 of the submissions do not count toward it. Last evaluated 2016-04-22.

Conditions:
Hereditary cancer-predisposing syndrome. Also called: Tumor predisposition; Neoplastic Syndromes, Hereditary; Hereditary Cancer Syndrome; Hereditary neoplastic syndrome. Identifiers: Orphanet 140162, MedGen C0027672, MeSH D009386, MONDO:0015356.
Hereditary breast ovarian cancer syndrome. Also called: Hereditary breast and ovarian cancer syndrome (HBOC); Hereditary breast and ovarian cancer syndrome; Hereditary breast and ovarian cancer; Hereditary breast and/or ovarian cancer syndrome; Breast and ovarian cancer; BRCA1- and BRCA2-Associated Hereditary Breast and Ovarian Cancer. Identifiers: Orphanet 145, MedGen C0677776, MeSH D061325, MONDO:0003582. Disease mechanism: loss of function.
Breast-ovarian cancer, familial, susceptibility to, 2 (BROVCA2). Also called: BRCA2 Hereditary Breast and Ovarian Cancer. Identifiers: Orphanet 145, MedGen C2675520, MONDO:0012933, OMIM 612555. Disease mechanism: loss of function.
Breast-ovarian cancer, familial, susceptibility to, 1 (BROVCA1). Also called: OVARIAN CANCER, SUSCEPTIBILITY TO; BRCA1 Hereditary Breast and Ovarian Cancer. Identifiers: Orphanet 145, MedGen C2676676, MONDO:0011450, OMIM 604370. Disease mechanism: loss of function.
Familial cancer of breast. Also called: Hereditary breast cancer; hereditary breast carcinoma; BREAST CANCER, FAMILIAL. Identifiers: Orphanet 227535, MedGen C0346153, MONDO:0016419, OMIM 114480. Disease mechanism: loss of function.

Submissions 1 to 10 of 20:

Evidence-based Network for the Interpretation of Germline Mutant Alleles (ENIGMA)
Classification: Pathogenic for Breast-ovarian cancer, familial, susceptibility to, 2. Last evaluated: 2016-04-22. Review status: reviewed by expert panel. Criteria: ENIGMA BRCA1/2 Classification Criteria (2015). Collection method: curation. Allele origin: germline.
Comment: Variant allele predicted to encode a truncated non-functional protein.

Clinical Genetics Laboratory, Skane University Hospital Lund
Classification: Pathogenic for Familial cancer of breast. Last evaluated: 2026-02-26. Review status: criteria provided, single submitter. Criteria: ACMG Guidelines, 2015. Collection method: clinical testing. Allele origin: germline. Affected: yes. Not counted in ClinVar's aggregate classification.
Comment: Classified by Expert Panel

Center for Genomic Medicine, Rigshospitalet, Copenhagen University Hospital
Classification: Pathogenic. Last evaluated: 2025-12-29. Review status: criteria provided, single submitter. Criteria: ACMG Guidelines, 2015. Collection method: clinical testing. Allele origin: germline. Not counted in ClinVar's aggregate classification.

Labcorp Genetics (formerly Invitae), Labcorp
Classification: Pathogenic for Hereditary breast ovarian cancer syndrome. Last evaluated: 2025-12-24. Review status: criteria provided, single submitter. Criteria: Invitae Variant Classification Sherloc (09022015). Collection method: clinical testing. Allele origin: germline. Not counted in ClinVar's aggregate classification.
Comment: This sequence change creates a premature translational stop signal (p.Ile591Metfs*22) in the BRCA2 gene. It is expected to result in an absent or disrupted protein product. Loss-of-function variants in BRCA2 are known to be pathogenic (PMID: 20104584). This variant is not present in population databases (gnomAD no frequency). This premature translational stop signal has been observed in individual(s) with breast cancer (PMID: 12942367, 18393245, 22923021). This variant is also known as 2001delTTAT. ClinVar contains an entry for this variant (Variation ID: 51190). For these reasons, this variant has been classified as Pathogenic.

Quest Diagnostics Nichols Institute San Juan Capistrano
Classification: Pathogenic. Last evaluated: 2025-10-17. Review status: criteria provided, single submitter. Criteria: Quest Diagnostics criteria. Collection method: clinical testing. Allele origin: unknown. Not counted in ClinVar's aggregate classification.
Comment: The BRCA2 c.1773_1776del (p.Ile591Metfs*22) variant alters the translational reading frame of the BRCA2 mRNA and causes the premature termination of BRCA2 protein synthesis. This variant has been reported in the published literature in multiple individuals and families with breast and/or ovarian cancer (PMIDs: 38355628 (2024), 37415649 (2023), 32846166 (2020), 30982232 (2019), 30702160 (2019), 28888541 (2017), 22923021 (2012), 12942367 (2003)), and at least one individual with prostate cancer (PMID: 38355628 (2024)). This variant has not been reported in large, multi-ethnic general populations (Genome Aggregation Database). Based on the available information, this variant is classified as pathogenic .

GeneKor MSA
Classification: Pathogenic for Hereditary breast ovarian cancer syndrome. Last evaluated: 2025-05-15. Review status: criteria provided, single submitter. Criteria: ACMG Guidelines, 2015. Collection method: clinical testing. Allele origin: germline. Affected: yes. Not counted in ClinVar's aggregate classification.
Comment: This a 4-nucleotide deletion in exon 10 of the BRCA2 mRNA c.(1773_1776del), causing a frameshift after codon 591. This creates a premature translational stop signal 22 amino acid residues later p.(Ile591Metfs*22) and is expected to result in an absent or disrupted protein product. Truncating variants in BRCA2 are known to be pathogenic (PMID:20104584). This variant is not present in population databases (rs2072285986) but the mutation database ClinVar contains entries for this variant where it is listed as pathogenic (VCV000051190.35). Based on the classification criteria set by the ACMG and AMP (PMID:25741868) this variant has been classified as pathogenic.

Ambry Genetics
Classification: Pathogenic for Hereditary cancer-predisposing syndrome. Last evaluated: 2024-05-07. Review status: criteria provided, single submitter. Criteria: Ambry Variant Classification Scheme 2023. Collection method: clinical testing. Allele origin: germline. Not counted in ClinVar's aggregate classification.
Comment: The c.1773_1776delTTAT pathogenic mutation, located in coding exon 9 of the BRCA2 gene, results from a deletion of 4 nucleotides at nucleotide positions 1773 to 1776, causing a translational frameshift with a predicted alternate stop codon (p.I591Mfs*22). This mutation has been detected in multiple individuals from hereditary breast and/or ovarian cancer cohorts also unselected breast cancer cohorts (Kanaan Y et al. Hum. Genet. 2003 Oct;113:452-60; Thirthagiri E et al. Breast Cancer Res. 2008 Jul;10:R59; Novakovi S et al. Int. J. Oncol. 2012 Nov;41:1619-27; Yildiz T et al. Life Sci 2020 Nov;261:118334; Demir S et al. J BUON;25(3):1337-1347). Of note, this mutation is also designated as 2001del4 in published literature. In addition to the clinical data presented in the literature, this alteration is expected to result in loss of function by premature protein truncation or nonsense-mediated mRNA decay. As such, this alteration is interpreted as a disease-causing mutation.

Baylor Genetics
Classification: Pathogenic for Familial cancer of breast. Last evaluated: 2024-03-29. Review status: criteria provided, single submitter. Criteria: ACMG Guidelines, 2015. Collection method: clinical testing. Allele origin: unknown. Not counted in ClinVar's aggregate classification.

Color Diagnostics, LLC DBA Color Health
Classification: Pathogenic for Hereditary cancer-predisposing syndrome. Last evaluated: 2023-06-13. Review status: criteria provided, single submitter. Criteria: ACMG Guidelines, 2015. Collection method: clinical testing. Allele origin: germline. Not counted in ClinVar's aggregate classification.
Comment: This variant deletes 4 nucleotides in exon 10 of the BRCA2 gene, creating a frameshift and premature translation stop signal. This variant is also known as 2001del4 and 2000del4 in the literature according to the BIC nomenclature. This variant is expected to result in an absent or non-functional protein product. This variant has been reported in at least four individuals affected with breast cancer (PMID: 12942367, 18393245, 18627636, 20174566, 33471991) and in suspected hereditary breast and ovarian cancer families (PMID: 19949876, 21120943, 22923021). This variant has not been identified in the general population by the Genome Aggregation Database (gnomAD). Loss of BRCA2 function is a known mechanism of disease. Based on the available evidence, this variant is classified as Pathogenic.

GeneDx
Classification: Pathogenic. Last evaluated: 2022-09-15. Review status: criteria provided, single submitter. Criteria: GeneDx Variant Classification Process June 2021. Collection method: clinical testing. Allele origin: germline. Affected: yes. Not counted in ClinVar's aggregate classification.
Comment: Frameshift variant predicted to result in protein truncation or nonsense mediated decay in a gene for which loss of function is a known mechanism of disease; Observed in individuals with a personal or family history consistent with pathogenic variants in this gene (Kanaan et al., 2003; Thirthagiri et al., 2008; Novakovic et al., 2012); Not observed at significant frequency in large population cohorts (gnomAD); Truncating variants in this gene are considered pathogenic by a well-established clinical consortium and/or database; Also known as 2001_2004del; This variant is associated with the following publications: (PMID: 18393245, 28993434, 32846166, 30787465, 31825140, 32719484, 26295337, 20104584, 12942367, 28439188, 28888541, 29446198, Bahsi2020[case report], 30702160, 24123850, 30875412, 18627636, 22923021)